The following is an entry in ClinVar:

ClinVar aggregate classification (germline): Conflicting classifications of pathogenicity. Review status: criteria provided, conflicting classifications (1 of 4 stars). 9 submissions from 8 submitters: Uncertain significance (4); Benign (1); Likely benign (3). 1 of the submissions does not count toward it. Last evaluated 2025-12-30.

Conditions:
Nephronophthisis 12 (NPHP12). Identifiers: Orphanet 655, MedGen C3151186, MONDO:0013442, OMIM 613820.
Asphyxiating thoracic dystrophy 4 (SRTD4). Also called: SHORT-RIB THORACIC DYSPLASIA 4 WITH OR WITHOUT POLYDACTYLY; SHORT-RIB THORACIC DYSPLASIA 4. Identifiers: Orphanet 474, MedGen C3151185, MONDO:0013441, OMIM 613819.
TTC21B-related disorder. Also called: TTC21B-related disorders; TTC21B-related condition.
Jeune thoracic dystrophy. Also called: Jeune syndrome; Infantile thoracic dystrophy; Thoracic pelvic phalangeal dystrophy; Jeune's syndrome; Chondroectodermal dysplasia-like syndrome; Short-rib thoracic dysplasia. Identifiers: Orphanet 474, MedGen C0265275, MONDO:0018770.
Nephronophthisis. Also called: Juvenile Nephronophthisis. Identifiers: Orphanet 655, MedGen C0687120, MONDO:0019005, HP:0000090.

Allele frequency attached by ClinVar (database versions not stated): gnomAD exomes 0.00014 and 0.00048; 1000 Genomes Project 30x 0.00016; 1000 Genomes Project 0.00020; ExAC 0.00046; ESP Exome Variant Server 0.00046; gnomAD 0.00050 and 0.00054; TOPMed 0.00057.
gnomAD v4.1: 326 of 1,613,312 alleles (0.02%); highest among the groups gnomAD compares: East Asian, 0.21%; no homozygotes.

Submissions (9):

Labcorp Genetics (formerly Invitae), Labcorp
Classification: Likely benign for Jeune thoracic dystrophy; Nephronophthisis. Last evaluated: 2025-12-30. Review status: criteria provided, single submitter. Criteria: Invitae Variant Classification Sherloc (09022015). Collection method: clinical testing. Allele origin: germline.

Blueprint Genetics
Classification: Benign. Last evaluated: 2024-11-20. Review status: criteria provided, single submitter. Criteria: ACMG Guidelines, 2015. Collection method: clinical testing. Allele origin: germline.

Baylor Genetics
Classification: Uncertain significance for Nephronophthisis 12. Last evaluated: 2023-02-01. Review status: criteria provided, single submitter. Criteria: ACMG Guidelines, 2015. Collection method: clinical testing. Allele origin: unknown.

GeneDx
Classification: Likely benign. Last evaluated: 2020-09-16. Review status: criteria provided, single submitter. Criteria: GeneDx Variant Classification Process June 2021. Collection method: clinical testing. Allele origin: germline. Affected: yes.
Comment: Has not been previously published as pathogenic or benign to our knowledge; In silico analysis, which includes protein predictors and evolutionary conservation, supports a deleterious effect

Department of Pathology and Laboratory Medicine, Sinai Health System
Classification: Uncertain significance for Asphyxiating thoracic dystrophy 4; Nephronophthisis 12. Last evaluated: 2020-07-29. Review status: criteria provided, single submitter. Criteria: ACMG Guidelines, 2015. Collection method: research. Allele origin: germline.

Illumina Laboratory Services, Illumina
Classification: Likely benign for Asphyxiating thoracic dystrophy 4. Last evaluated: 2018-01-12. Review status: criteria provided, single submitter. Criteria: ICSL Variant Classification Criteria 13 December 2019. Collection method: clinical testing. Allele origin: germline.
Comment: This variant was observed in the ICSL laboratory as part of a predisposition screen in an ostensibly healthy population. It had not been previously curated by ICSL or reported in the Human Gene Mutation Database (HGMD: prior to June 1st, 2018), and was therefore a candidate for classification through an automated scoring system. Utilizing variant allele frequency, disease prevalence and penetrance estimates, and inheritance mode, an automated score was calculated to assess if this variant is too frequent to cause the disease. Based on the score and internal cut-off values, a variant classified as likely benign is not then subjected to further curation. The score for this variant resulted in a classification of likely benign for this disease.

Illumina Laboratory Services, Illumina
Classification: Uncertain significance for Nephronophthisis 12. Last evaluated: 2018-01-12. Review status: criteria provided, single submitter. Criteria: ICSL Variant Classification Criteria 13 December 2019. Collection method: clinical testing. Allele origin: germline.

Genetic Services Laboratory, University of Chicago
Classification: Uncertain significance. Last evaluated: 2013-09-16. Review status: criteria provided, single submitter. Criteria: ACMG Guidelines, 2007. Collection method: clinical testing. Allele origin: germline. Inheritance: Autosomal recessive inheritance.

PreventionGenetics, part of Exact Sciences
Classification: Likely benign for TTC21B-related condition. Last evaluated: 2022-02-11. Review status: no assertion criteria provided. Collection method: clinical testing. Allele origin: germline. Not counted in ClinVar's aggregate classification.
Comment: This variant is classified as likely benign based on ACMG/AMP sequence variant interpretation guidelines (Richards et al. 2015 PMID: 25741868, with internal and published modifications).

NM_024753.5(TTC21B):c.3797C>T (p.Pro1266Leu)

Gene: TTC21B (tetratricopeptide repeat domain 21B; minus strand). Cytogenetic location: 2q24.3.
Variant type: single nucleotide variant.
Coding change: c.3797C>T on transcript NM_024753.5 (MANE Select); coding-DNA position 3797, C replaced by T.
Protein change: p.Pro1266Leu; replaces proline 1266 with leucine.
Molecular consequence: missense variant.
Genome position (GRCh38, 1-based): chr2:165,880,687, G>A on the plus strand (C>T on the coding strand, the complement: TTC21B is on the minus strand). VCF-style: chr2-165880687-G-A. GRCh37 (hg19) VCF-style: chr2-166737197-G-A.
Other names: short protein forms P1266L.
Identifiers: ClinVar variation 130656 (VCV000130656.28), dbSNP rs140384742, ClinGen allele CA231581.